The following is an entry in ClinVar:

ClinVar aggregate classification (germline): Benign/Likely benign. Review status: criteria provided, multiple submitters, no conflicts (2 of 4 stars). 3 submissions from 3 submitters: Benign (1); Likely benign (2). Last evaluated 2026-01-12.

Conditions:
Combined immunodeficiency due to OX40 deficiency. Also called: OX40 DEFICIENCY; Immunodeficiency 16. Identifiers: Orphanet 431149, MedGen C3810053, MONDO:0014268, OMIM 615593.

Allele frequency attached by ClinVar (database versions not stated): TOPMed 0.00018; gnomAD 0.00019 and 0.00029; 1000 Genomes Project 30x 0.00031; gnomAD exomes 0.00032; 1000 Genomes Project 0.00040; ExAC 0.00071.

Submissions (3):

Labcorp Genetics (formerly Invitae), Labcorp
Classification: Benign for Combined immunodeficiency due to OX40 deficiency. Last evaluated: 2026-01-12. Review status: criteria provided, single submitter. Criteria: Invitae Variant Classification Sherloc (09022015). Collection method: clinical testing. Allele origin: germline.

CeGaT Center for Human Genetics Tuebingen
Classification: Likely benign. Last evaluated: 2025-06-01. Review status: criteria provided, single submitter. Criteria: CeGaT Center For Human Genetics Tuebingen Variant Classification Criteria Version 2. Collection method: clinical testing. Allele origin: germline. Affected: yes. Observed: 1 variant allele.
Comment: TNFRSF4: BP4, BP7

Blueprint Genetics
Classification: Likely benign. Last evaluated: 2024-11-18. Review status: criteria provided, single submitter. Criteria: ACMG Guidelines, 2015. Collection method: clinical testing. Allele origin: germline.

NM_003327.4(TNFRSF4):c.618C>T (p.Pro206=)

Gene: TNFRSF4 (TNF receptor superfamily member 4; minus strand). Cytogenetic location: 1p36.33.
Variant type: single nucleotide variant.
Coding change: c.618C>T on transcript NM_003327.4 (MANE Select); coding-DNA position 618, C replaced by T.
Protein change: p.Pro206=; no amino-acid change (proline 206 retained).
Molecular consequence: synonymous variant.
Genome position (GRCh38, 1-based): chr1:1,211,958, G>A on the plus strand (C>T on the coding strand, the complement: TNFRSF4 is on the minus strand). VCF-style: chr1-1211958-G-A. GRCh37 (hg19) VCF-style: chr1-1147338-G-A.
Identifiers: ClinVar variation 730562 (VCV000730562.22), dbSNP rs569162785, ClinGen allele CA512406.